The following is an entry in ClinVar:

ClinVar aggregate classification (germline): Uncertain significance (1 of 4 stars; one submission).

Conditions:
Kleefstra syndrome 1 (KLEFS1). Identifiers: Orphanet 261494, MedGen C0795833, MONDO:0027407, OMIM 610253.

Allele frequency attached by ClinVar (database versions not stated): gnomAD exomes below 0.00001.

Submission:

Labcorp Genetics (formerly Invitae), Labcorp
Classification: Uncertain significance for Kleefstra syndrome 1. Last evaluated: 2022-07-05. Review status: criteria provided, single submitter. Criteria: Invitae Variant Classification Sherloc (09022015). Collection method: clinical testing. Allele origin: germline.
Comment: Algorithms developed to predict the effect of missense changes on protein structure and function are either unavailable or do not agree on the potential impact of this missense change (SIFT: "Deleterious"; PolyPhen-2: "Possibly Damaging"; Align-GVGD: "Class C0"). In summary, the available evidence is currently insufficient to determine the role of this variant in disease. Therefore, it has been classified as a Variant of Uncertain Significance. ClinVar contains an entry for this variant (Variation ID: 1436440). This variant has not been reported in the literature in individuals affected with EHMT1-related conditions. This variant is not present in population databases (gnomAD no frequency). This sequence change replaces glycine, which is neutral and non-polar, with aspartic acid, which is acidic and polar, at codon 513 of the EHMT1 protein (p.Gly513Asp).

NM_024757.5(EHMT1):c.1538G>A (p.Gly513Asp)

Genes: EHMT1 (euchromatic histone lysine methyltransferase 1; plus strand), LOC130003148 (ATAC-STARR-seq lymphoblastoid active region 29369; plus strand). Cytogenetic location: 9q34.3.
Variant type: single nucleotide variant.
Coding change: c.1538G>A on transcript NM_024757.5 (MANE Select); coding-DNA position 1538, G replaced by A.
Protein change: p.Gly513Asp; replaces glycine 513 with aspartic acid.
Molecular consequence: missense variant.
Genome position (GRCh38, 1-based): chr9:137,762,711, G>A. VCF-style: chr9-137762711-G-A. GRCh37 (hg19) VCF-style: chr9-140657163-G-A.
Other names: c.1538G>A, p.Gly513Asp (NM_001145527.2, NM_001354611.2); c.1445G>A, p.Gly482Asp (NM_001354259.2, NM_001354612.2); c.1517G>A, p.Gly506Asp (NM_001354263.2); short protein forms G482D, G513D, G506D.
Identifiers: ClinVar variation 1436440 (VCV001436440.8), dbSNP rs2136356681, ClinGen allele CA375768755.